The following is an entry in ClinVar:

NM_198334.3(GANAB):c.2167A>G (p.Ile723Val)

Gene: GANAB (glucosidase II alpha subunit; minus strand). Cytogenetic location: 11q12.3.
Variant type: single nucleotide variant.
Coding change: c.2167A>G on transcript NM_198334.3 (MANE Select); coding-DNA position 2167, A replaced by G.
Protein change: p.Ile723Val; replaces isoleucine 723 with valine.
Molecular consequence: missense variant.
Genome position (GRCh38, 1-based): chr11:62,628,782, T>C on the plus strand (A>G on the coding strand, the complement: GANAB is on the minus strand). VCF-style: chr11-62628782-T-C. GRCh37 (hg19) VCF-style: chr11-62396254-T-C.
Other names: c.1891A>G, p.Ile631Val (NM_001278192.2); c.1825A>G, p.Ile609Val (NM_001278193.2); c.1876A>G, p.Ile626Val (NM_001278194.2, NM_001329222.2, NM_001329223.2); c.1444A>G, p.Ile482Val (NM_001329224.2, NM_001329225.2); c.2233A>G, p.Ile745Val (NM_198335.4); short protein forms I482V, I609V, I723V, I626V, I631V, I745V.
Identifiers: ClinVar variation 1989318 (VCV001989318.4), dbSNP rs761031709, ClinGen allele CA6050570.

ClinVar aggregate classification (germline): Uncertain significance (1 of 4 stars; one submission).

Allele frequency attached by ClinVar (database versions not stated): TOPMed 0.00001; ExAC 0.00002; gnomAD exomes 0.00002.
gnomAD v4.1: 12 of 1,613,830 alleles (0.00074%); highest among the groups gnomAD compares: Admixed American, 0.018%; no homozygotes.

Submission:

Labcorp Genetics (formerly Invitae), Labcorp
Classification: Uncertain significance. Last evaluated: 2022-01-17. Review status: criteria provided, single submitter. Criteria: Invitae Variant Classification Sherloc (09022015). Collection method: clinical testing. Allele origin: germline.
Comment: Advanced modeling of protein sequence and biophysical properties (such as structural, functional, and spatial information, amino acid conservation, physicochemical variation, residue mobility, and thermodynamic stability) performed at Invitae indicates that this missense variant is not expected to disrupt GANAB protein function. In summary, the available evidence is currently insufficient to determine the role of this variant in disease. Therefore, it has been classified as a Variant of Uncertain Significance. This variant has not been reported in the literature in individuals affected with GANAB-related conditions. This variant is present in population databases (rs761031709, gnomAD 0.03%). This sequence change replaces isoleucine, which is neutral and non-polar, with valine, which is neutral and non-polar, at codon 745 of the GANAB protein (p.Ile745Val).